The following is an entry in ClinVar:

NM_001005361.3(DNM2):c.736A>G (p.Lys246Glu)

Gene: DNM2 (dynamin 2; plus strand). Cytogenetic location: 19p13.2.
Variant type: single nucleotide variant.
Coding change: c.736A>G on transcript NM_001005361.3 (MANE Select); coding-DNA position 736, A replaced by G.
Protein change: p.Lys246Glu; replaces lysine 246 with glutamic acid.
Molecular consequence: missense variant.
Genome position (GRCh38, 1-based): chr19:10,783,007, A>G. VCF-style: chr19-10783007-A-G. GRCh37 (hg19) VCF-style: chr19-10893683-A-G.
Other names: c.736A>G, p.Lys246Glu (NM_001005360.3, NM_001005362.3, NM_001190716.2 and 1 more transcripts); short protein forms K246E.
Identifiers: ClinVar variation 3899270 (VCV003899270.1).

ClinVar aggregate classification (germline): Uncertain significance (1 of 4 stars; one submission).

Conditions:
Charcot-Marie-Tooth disease dominant intermediate B (CMTDIB). Also called: CHARCOT-MARIE-TOOTH NEUROPATHY, DOMINANT INTERMEDIATE B; Charcot-Marie-Tooth disease dominant intermediate 1; CMT DI1; Charcot-Marie-Tooth disease dominant intermediate I. Identifiers: Orphanet 100044, Orphanet 228179, MedGen C1847902, MONDO:0011674, OMIM 606482.

Submission:

Department of Clinical Genetics, Copenhagen University Hospital, Rigshospitalet
Classification: Uncertain significance for Charcot-Marie-Tooth disease dominant intermediate B. Last evaluated: 2024-04-25. Review status: criteria provided, single submitter. Criteria: ACMG Guidelines, 2015. Collection method: clinical testing. Allele origin: germline.
Comment: PP3_M, PM2_Sup, PP2_Sup